The following is an entry in ClinVar:

ClinVar aggregate classification (germline): Uncertain significance. Review status: criteria provided, multiple submitters, no conflicts (2 of 4 stars). 2 submissions from 2 submitters: Uncertain significance (2). Last evaluated 2024-12-16.

Conditions:
Neuronal ceroid lipofuscinosis 7 (CLN7). Also called: MFSD8-Related Neuronal Ceroid-Lipofuscinosis. Identifiers: Orphanet 168491, Orphanet 228366, MedGen C1838571, MONDO:0012588, OMIM 610951.

Submissions (2):

Labcorp Genetics (formerly Invitae), Labcorp
Classification: Uncertain significance for Neuronal ceroid lipofuscinosis 7. Last evaluated: 2024-12-16. Review status: criteria provided, single submitter. Criteria: Invitae Variant Classification Sherloc (09022015). Collection method: clinical testing. Allele origin: germline.
Comment: This sequence change falls in intron 10 of the MFSD8 gene. It does not directly change the encoded amino acid sequence of the MFSD8 protein. It affects a nucleotide within the consensus splice site. This variant is not present in population databases (gnomAD no frequency). This variant has not been reported in the literature in individuals affected with MFSD8-related conditions. ClinVar contains an entry for this variant (Variation ID: 206159). Variants that disrupt the consensus splice site are a relatively common cause of aberrant splicing (PMID: 17576681, 9536098). Algorithms developed to predict the effect of sequence changes on RNA splicing suggest that this variant may disrupt the consensus splice site. In summary, the available evidence is currently insufficient to determine the role of this variant in disease. Therefore, it has been classified as a Variant of Uncertain Significance.

GeneDx
Classification: Uncertain significance. Last evaluated: 2013-09-23. Review status: criteria provided, single submitter. Criteria: GeneDx Variant Classification (06012015). Collection method: clinical testing. Allele origin: germline. Affected: yes.
Comment: c.998+4 A>G: IVS10+4 A>G in intron 10 of the MFSD8 gene (NM_152778.2)The c.998+4 A>G variant has not been published as a mutation, nor has it been reported as a benign polymorphism to our knowledge. It was not observed in approximately 6,500 individuals of European and African American ancestry in the NHLBI Exome Sequencing Project, indicating it is not a common benign variant in these populations. In silico analysis predicts this variant may damage or destroy the natural splice donor site in intron 10 leading to abnormal splicing. However, in the absence of RNA/functional studies, the actual effect of the c.998+4 A>G variant is unknown. Therefore, based on the currently available information, it is unclear whether c.998+4 A>G is a disease-causing mutation or a rare benign variant. The variant is found in EPILEPSY panel(s).

Literature cited by the submitters: PubMed 17576681 (cited by Labcorp Genetics (formerly Invitae), Labcorp); PubMed 9536098 (cited by Labcorp Genetics (formerly Invitae), Labcorp).

NM_001371596.2(MFSD8):c.998+4A>G

Gene: MFSD8 (major facilitator superfamily domain containing 8; minus strand). Cytogenetic location: 4q28.2.
Variant type: single nucleotide variant.
Coding change: c.998+4A>G on transcript NM_001371596.2 (MANE Select); 4 bases into the intron after coding-DNA position 998, A replaced by G.
Molecular consequence: intron variant.
Genome position (GRCh38, 1-based): chr4:127,930,679, T>C on the plus strand (A>G on the coding strand, the complement: MFSD8 is on the minus strand). VCF-style: chr4-127930679-T-C. GRCh37 (hg19) VCF-style: chr4-128851834-T-C.
Other names: c.716+4A>G (NM_001371595.1); c.548+4A>G (NM_001410765.1); c.863+4A>G (NM_001371590.2); c.998+4A>G (NM_152778.4, NM_001371591.2); c.683+4A>G (NM_001363521.3); c.884+4A>G (NM_001410766.1, NM_001371593.2); c.797+4A>G (NM_001363520.3); c.851+4A>G (NM_001371594.2); and 1 more.
Identifiers: ClinVar variation 206159 (VCV000206159.10), dbSNP rs796052745, ClinGen allele CA315981.